The following is an entry in ClinVar:

ClinVar aggregate classification (germline): Pathogenic/Likely pathogenic. Review status: criteria provided, multiple submitters, no conflicts (2 of 4 stars). 3 submissions from 3 submitters: Pathogenic (1); Likely pathogenic (2). Last evaluated 2025-08-29.

Conditions:
ALPL-related disorder. Also called: ALPL-related disorders; ALPL-related condition.
Hypophosphatasia. Also called: Phosphoethanol-aminuria. Identifiers: Orphanet 436, MedGen C0020630, MeSH D007014, MONDO:0018570.

Allele frequency attached by ClinVar (database versions not stated): gnomAD exomes below 0.00001; gnomAD 0.00001.
gnomAD v4.1: 3 of 1,614,064 alleles (0.00019%); no homozygotes.

Submissions (3):

Genomenon, Inc
Classification: Likely pathogenic for Hypophosphatasia. Last evaluated: 2025-08-29. Review status: criteria provided, single submitter. Criteria: Genomenon Sequence Variant Interpretation Standards. Collection method: curation. Allele origin: germline. Affected: yes.
Comment: ALPL p.Ile395Thr (c.1184T>C) is a missense variant that changes the amino acid at residue 395 from Isoleucine to Threonine. This variant has been observed in a proband affected with hypophosphatasia (PMID:18925618). It is absent or not present at a significant frequency in gnomAD. In silico models agree that this variant is possibly or probably damaging. The presence of pathogenic missense variant(s) at the same amino acid position indicates that this residue is likely important for protein function. In conclusion, we classify ALPL p.Ile395Thr (c.1184T>C) as a likely pathogenic variant.

Labcorp Genetics (formerly Invitae), Labcorp
Classification: Pathogenic. Last evaluated: 2022-12-16. Review status: criteria provided, single submitter. Criteria: Invitae Variant Classification Sherloc (09022015). Collection method: clinical testing. Allele origin: germline.
Comment: This sequence change replaces isoleucine, which is neutral and non-polar, with threonine, which is neutral and polar, at codon 395 of the ALPL protein (p.Ile395Thr). This variant is not present in population databases (gnomAD no frequency). This missense change has been observed in individuals with clinical features of hypophosphatasia (PMID: 18925618; Invitae). This variant is also known as I378T. Advanced modeling of protein sequence and biophysical properties (such as structural, functional, and spatial information, amino acid conservation, physicochemical variation, residue mobility, and thermodynamic stability) performed at Invitae indicates that this missense variant is expected to disrupt ALPL protein function. This variant disrupts the p.Ile395 amino acid residue in ALPL. Other variant(s) that disrupt this residue have been determined to be pathogenic (PMID: 21713987, 31641588). This suggests that this residue is clinically significant, and that variants that disrupt this residue are likely to be disease-causing. For these reasons, this variant has been classified as Pathogenic.

Blueprint Genetics
Classification: Likely pathogenic for ALPL-related disorders. Last evaluated: 2022-11-25. Review status: criteria provided, single submitter. Criteria: ACMG Guidelines, 2015. Collection method: clinical testing. Allele origin: germline. Affected: yes. Observed: 3 variant alleles.

Literature cited by the submitters: PubMed 18925618 (cited by Genomenon, Inc and Labcorp Genetics (formerly Invitae), Labcorp); PubMed 21713987 (cited by Labcorp Genetics (formerly Invitae), Labcorp); PubMed 31641588 (cited by Labcorp Genetics (formerly Invitae), Labcorp).

NM_000478.6(ALPL):c.1184T>C (p.Ile395Thr)

Gene: ALPL (alkaline phosphatase, biomineralization associated; plus strand). Cytogenetic location: 1p36.12.
Variant type: single nucleotide variant.
Coding change: c.1184T>C on transcript NM_000478.6 (MANE Select); coding-DNA position 1184, T replaced by C.
Protein change: p.Ile395Thr; replaces isoleucine 395 with threonine.
Molecular consequence: missense variant.
Genome position (GRCh38, 1-based): chr1:21,575,919, T>C. VCF-style: chr1-21575919-T-C. GRCh37 (hg19) VCF-style: chr1-21902412-T-C.
Other names: c.1019T>C, p.Ile340Thr (NM_001127501.4); c.953T>C, p.Ile318Thr (NM_001177520.3); c.1184T>C, p.Ile395Thr (NM_001369803.2, NM_001369804.2, NM_001369805.2); short protein forms I340T, I318T, I395T.
Identifiers: ClinVar variation 2202722 (VCV002202722.6), dbSNP rs751977466, ClinGen allele CA19070423.
Genomic context (GRCh38, chr1:21,575,919, plus strand): 5'-TCACTGCGGACCATTCCCACGTCTTCACATTTGGTGGATACACCCCCCGTGGCAACTCTA[T>C]CTTTGGTAGGTGGGCCTTCTTTGGGGTGGACACTCCTGGGGTCTCCTGTCTACCCACCTG-3'
Protein context (NP_000469.3, residues 385-405): FGGYTPRGNS[Ile395Thr]FGLAPMLSDT